The following is an entry in ClinVar:

NM_004656.4(BAP1):c.919G>C (p.Gly307Arg)

Gene: BAP1 (BRCA1 associated deubiquitinase 1; minus strand). Cytogenetic location: 3p21.1.
Variant type: single nucleotide variant.
Coding change: c.919G>C on transcript NM_004656.4 (MANE Select); coding-DNA position 919, G replaced by C.
Protein change: p.Gly307Arg; replaces glycine 307 with arginine.
Molecular consequence: missense variant.
Genome position (GRCh38, 1-based): chr3:52,405,777, C>G on the plus strand (G>C on the coding strand, the complement: BAP1 is on the minus strand). VCF-style: chr3-52405777-C-G. GRCh37 (hg19) VCF-style: chr3-52439793-C-G.
Other names: short protein forms G307R.
Identifiers: ClinVar variation 1692863 (VCV001692863.8), dbSNP rs1395277971, ClinGen allele CA353106539.

ClinVar aggregate classification (germline): Uncertain significance. Review status: criteria provided, multiple submitters, no conflicts (2 of 4 stars). 4 submissions from 4 submitters: Uncertain significance (4). Last evaluated 2025-08-30.

Conditions:
BAP1-related tumor predisposition syndrome (TPDS1). Also called: Tumor susceptibility linked to germline BAP1 mutations; COMMON Syndrome; BAP1 tumor predisposition syndrome; TUMOR PREDISPOSITION SYNDROME 1. Identifiers: Orphanet 289539, MedGen C3280492, MONDO:0013692, OMIM 614327.
Hereditary cancer-predisposing syndrome. Also called: Hereditary neoplastic syndrome; Tumor predisposition; Neoplastic Syndromes, Hereditary; Hereditary Cancer Syndrome. Identifiers: Orphanet 140162, MedGen C0027672, MeSH D009386, MONDO:0015356.

Allele frequency attached by ClinVar (database versions not stated): TOPMed below 0.00001; gnomAD 0.00001.
gnomAD v4.1: 2 of 1,613,168 alleles (0.00012%); highest among the groups gnomAD compares: Non-Finnish European, 0.00017%; no homozygotes.

Submissions (4):

Color Diagnostics, LLC DBA Color Health
Classification: Uncertain significance for Hereditary cancer-predisposing syndrome. Last evaluated: 2025-08-30. Review status: criteria provided, single submitter. Criteria: ACMG Guidelines, 2015. Collection method: clinical testing. Allele origin: germline.
Comment: This missense variant replaces glycine with arginine at codon 307 of the BAP1 protein. Computational prediction suggests that this variant may not impact protein structure and function. To our knowledge, functional studies have not been reported for this variant. This variant has not been reported in individuals affected with BAP1-related disorders in the literature. This variant has not been identified in the general population by the Genome Aggregation Database (gnomAD). The available evidence is insufficient to determine the role of this variant in disease conclusively. Therefore, this variant is classified as a Variant of Uncertain Significance.

Ambry Genetics
Classification: Uncertain significance for Hereditary cancer-predisposing syndrome. Last evaluated: 2024-05-19. Review status: criteria provided, single submitter. Criteria: Ambry Variant Classification Scheme 2023. Collection method: clinical testing. Allele origin: germline.
Comment: The p.G307R variant (also known as c.919G>C), located in coding exon 10 of the BAP1 gene, results from a G to C substitution at nucleotide position 919. The glycine at codon 307 is replaced by arginine, an amino acid with dissimilar properties. This amino acid position is conserved. In addition, this alteration is predicted to be tolerated by in silico analysis. Based on the available evidence, the clinical significance of this variant remains unclear.

Labcorp Genetics (formerly Invitae), Labcorp
Classification: Uncertain significance for BAP1-related tumor predisposition syndrome. Last evaluated: 2022-08-08. Review status: criteria provided, single submitter. Criteria: Invitae Variant Classification Sherloc (09022015). Collection method: clinical testing. Allele origin: germline.
Comment: In summary, the available evidence is currently insufficient to determine the role of this variant in disease. Therefore, it has been classified as a Variant of Uncertain Significance. Algorithms developed to predict the effect of missense changes on protein structure and function (SIFT, PolyPhen-2, Align-GVGD) all suggest that this variant is likely to be tolerated. ClinVar contains an entry for this variant (Variation ID: 1692863). This variant has not been reported in the literature in individuals affected with BAP1-related conditions. This variant is not present in population databases (gnomAD no frequency). This sequence change replaces glycine, which is neutral and non-polar, with arginine, which is basic and polar, at codon 307 of the BAP1 protein (p.Gly307Arg).

Sema4
Classification: Uncertain significance for Hereditary cancer-predisposing syndrome. Last evaluated: 2021-09-18. Review status: criteria provided, single submitter. Criteria: Sema4 Curation Guidelines. Collection method: curation. Allele origin: germline.
Comment: The BAP1 c.919G>C (p.G307R) variant has not been reported in the literature to our knowledge. This variant is not reported in the population database Genome Aggregation Database (PMID: 32461654) nor has it been reported in ClinVar. In silico tools suggest the impact of the variant on protein function is benign, though these predictions have not been confirmed by functional studies. The evidence is insufficient to meet ACMG/AMP criteria for classifying the variant as benign or pathogenic. Thus, the clinical significance of this variant is currently uncertain.